The following is an entry in ClinVar:

NM_001009944.3(PKD1):c.9653G>A (p.Trp3218Ter)

Gene: PKD1 (polycystin 1, transient receptor potential channel interacting; minus strand). Cytogenetic location: 16p13.3.
Variant type: single nucleotide variant.
Coding change: c.9653G>A on transcript NM_001009944.3 (MANE Select); coding-DNA position 9653, G replaced by A.
Protein change: p.Trp3218Ter; replaces tryptophan 3218 with a stop codon.
Molecular consequence: nonsense.
Genome position (GRCh38, 1-based): chr16:2,100,225, C>T on the plus strand (G>A on the coding strand, the complement: PKD1 is on the minus strand). VCF-style: chr16-2100225-C-T. GRCh37 (hg19) VCF-style: chr16-2150226-C-T.
Other names: c.9653G>A, p.Trp3218Ter (NM_000296.4); short protein forms W3218*.
Identifiers: ClinVar variation 4796573 (VCV004796573.1).

ClinVar aggregate classification (germline): Pathogenic (1 of 4 stars; one submission).

Conditions:
Polycystic kidney disease, adult type (PKD1). Also called: Polycystic Kidney, Autosomal Dominant; POLYCYSTIC KIDNEY DISEASE, ADULT, TYPE I; Polycystic Kidney Disease 1, Autosomal Dominant; Polycystic kidney disease 1; Polycystic kidney disease 1, severe; POLYCYSTIC KIDNEY DISEASE 1 WITH OR WITHOUT POLYCYSTIC LIVER DISEASE. Identifiers: MedGen C3149841, MONDO:0008263, OMIM 173900.

Submission:

Juno Genomics, Hangzhou Juno Genomics, Inc
Classification: Pathogenic for Polycystic kidney disease, adult type. Review status: criteria provided, single submitter. Criteria: ACMG Guidelines, 2015. Collection method: clinical testing. Allele origin: germline. Affected: yes.
Comment: Absent from controls (or at extremely low frequency if recessive) in Genome Aggregation Database, Exome Sequencing Project, 1000 Genomes Project, or Exome Aggregation Consortium.;Null variant in a gene where loss of function (LOF) is a known mechanism of disease.;Patient's phenotype or family history is highly specific for a disease with a single genetic etiology.